The following is an entry in ClinVar:

NM_004656.4(BAP1):c.524C>T (p.Pro175Leu)

Gene: BAP1 (BRCA1 associated deubiquitinase 1; minus strand). Cytogenetic location: 3p21.1.
Variant type: single nucleotide variant.
Coding change: c.524C>T on transcript NM_004656.4 (MANE Select); coding-DNA position 524, C replaced by T.
Protein change: p.Pro175Leu; replaces proline 175 with leucine.
Molecular consequence: missense variant.
Genome position (GRCh38, 1-based): chr3:52,407,230, G>A on the plus strand (C>T on the coding strand, the complement: BAP1 is on the minus strand). VCF-style: chr3-52407230-G-A. GRCh37 (hg19) VCF-style: chr3-52441246-G-A.
Other names: short protein forms P175L.
Identifiers: ClinVar variation 1039132 (VCV001039132.8), dbSNP rs1705195086, ClinGen allele CA353109803.
Genomic context (GRCh38, chr3:52,407,230, plus strand): 5'-CTACCATGGTCAATGGGGTAGACCTTCAGCCCATCCAGCTCAAAGAGCCGGCCTGTGATA[G>A]GCACATAGCTGACAAAGTGGAACGCCTCCATGGTCCGCACTGCACTAAGGCCATTCTGCT-3'
Protein context (NP_004647.1, residues 165-185): MEAFHFVSYV[Pro175Leu]ITGRLFELDG

ClinVar aggregate classification (germline): Conflicting classifications of pathogenicity. Review status: criteria provided, conflicting classifications (1 of 4 stars). 2 submissions from 2 submitters: Likely pathogenic (1); Uncertain significance (1). Last evaluated 2025-12-13.

Conditions:
Hereditary cancer-predisposing syndrome. Also called: Neoplastic Syndromes, Hereditary; Hereditary Cancer Syndrome; Tumor predisposition; Hereditary neoplastic syndrome. Identifiers: Orphanet 140162, MedGen C0027672, MeSH D009386, MONDO:0015356.
BAP1-related tumor predisposition syndrome (TPDS1). Also called: TUMOR PREDISPOSITION SYNDROME 1; Tumor susceptibility linked to germline BAP1 mutations; COMMON Syndrome; BAP1 tumor predisposition syndrome. Identifiers: Orphanet 289539, MedGen C3280492, MONDO:0013692, OMIM 614327.

Submissions (2):

Labcorp Genetics (formerly Invitae), Labcorp
Classification: Uncertain significance for BAP1-related tumor predisposition syndrome. Last evaluated: 2025-12-13. Review status: criteria provided, single submitter. Criteria: Invitae Variant Classification Sherloc (09022015). Collection method: clinical testing. Allele origin: germline.
Comment: This sequence change replaces proline, which is neutral and non-polar, with leucine, which is neutral and non-polar, at codon 175 of the BAP1 protein (p.Pro175Leu). This variant is not present in population databases (gnomAD no frequency). This missense change has been observed in individual(s) with clinical features of BAP1-related conditions (internal data). ClinVar contains an entry for this variant (Variation ID: 1039132). Invitae Evidence Modeling of protein sequence and biophysical properties (such as structural, functional, and spatial information, amino acid conservation, physicochemical variation, residue mobility, and thermodynamic stability) indicates that this missense variant is expected to disrupt BAP1 protein function with a positive predictive value of 80%. In summary, the available evidence is currently insufficient to determine the role of this variant in disease. Therefore, it has been classified as a Variant of Uncertain Significance.

Ambry Genetics
Classification: Likely pathogenic for Hereditary cancer-predisposing syndrome. Last evaluated: 2025-12-10. Review status: criteria provided, single submitter. Criteria: Ambry Variant Classification Scheme 2023. Collection method: clinical testing. Allele origin: germline.
Comment: The p.P175L variant (also known as c.524C>T), located in coding exon 7 of the BAP1 gene, results from a C to T substitution at nucleotide position 524. The proline at codon 175 is replaced by leucine, an amino acid with similar properties. This variant was reported in individual(s) with features consistent with BAP1-related tumor predisposition syndrome (Ambry internal data). This alteration was non-functional in a high throughput genome editing haploid cell survival assay (Waters AJ et al. Nat Genet, 2024 Jul;56:1434-1445). This amino acid position is conserved. In addition, this alteration is predicted to be deleterious by in silico analysis. This variant is considered to be rare based on population cohorts in the Genome Aggregation Database (gnomAD). Based on the majority of available evidence to date, this variant is likely to be pathogenic.

Literature cited by the submitters: PubMed 38969833 (cited by Ambry Genetics).